The following is an entry in ClinVar:

ClinVar aggregate classification (germline): Conflicting classifications of pathogenicity. Review status: criteria provided, conflicting classifications (1 of 4 stars). 3 submissions from 3 submitters: Uncertain significance (2); Likely benign (1). Last evaluated 2025-06-07.

Conditions:
Inborn genetic diseases. Identifiers: MedGen C0950123, MeSH D030342.

Allele frequency attached by ClinVar (database versions not stated): gnomAD 0.00001 and 0.00002; ExAC 0.00003; TOPMed 0.00005; gnomAD exomes 0.00006.
gnomAD v4.1: 35 of 1,604,056 alleles (0.0022%); highest among the groups gnomAD compares: Admixed American, 0.01%; no homozygotes.

Submissions (3):

Ambry Genetics
Classification: Uncertain significance for Inborn genetic diseases. Last evaluated: 2025-06-07. Review status: criteria provided, single submitter. Criteria: Ambry Variant Classification Scheme 2023. Collection method: clinical testing. Allele origin: germline.

Labcorp Genetics (formerly Invitae), Labcorp
Classification: Likely benign. Last evaluated: 2024-06-02. Review status: criteria provided, single submitter. Criteria: Invitae Variant Classification Sherloc (09022015). Collection method: clinical testing. Allele origin: germline.

GeneDx
Classification: Uncertain significance. Last evaluated: 2021-06-18. Review status: criteria provided, single submitter. Criteria: GeneDx Variant Classification Process June 2021. Collection method: clinical testing. Allele origin: germline. Affected: yes.
Comment: In silico analysis supports that this missense variant does not alter protein structure/function; Has not been previously published as pathogenic or benign to our knowledge; This variant is associated with the following publications: (PMID: 27535533)

NM_006946.4(SPTBN2):c.6535C>T (p.Arg2179Trp)

Gene: SPTBN2 (spectrin beta, non-erythrocytic 2; minus strand). Cytogenetic location: 11q13.2.
Variant type: single nucleotide variant.
Coding change: c.6535C>T on transcript NM_006946.4 (MANE Select); coding-DNA position 6535, C replaced by T.
Protein change: p.Arg2179Trp; replaces arginine 2179 with tryptophan.
Molecular consequence: missense variant.
Genome position (GRCh38, 1-based): chr11:66,687,614, G>A on the plus strand (C>T on the coding strand, the complement: SPTBN2 is on the minus strand). VCF-style: chr11-66687614-G-A. GRCh37 (hg19) VCF-style: chr11-66455085-G-A.
Other names: short protein forms R2179W.
Identifiers: ClinVar variation 1187082 (VCV001187082.9), dbSNP rs764921928, ClinGen allele CA6127865.